The following is an entry in ClinVar:

NM_001395413.1(POR):c.253G>A (p.Gly85Ser)

Gene: POR (cytochrome p450 oxidoreductase; plus strand). Cytogenetic location: 7q11.23.
Variant type: single nucleotide variant.
Coding change: c.253G>A on transcript NM_001395413.1 (MANE Select); coding-DNA position 253, G replaced by A.
Protein change: p.Gly85Ser; replaces glycine 85 with serine.
Molecular consequence: missense variant.
Genome position (GRCh38, 1-based): chr7:75,979,475, G>A. VCF-style: chr7-75979475-G-A. GRCh37 (hg19) VCF-style: chr7-75608793-G-A.
Other names: c.253G>A, p.Gly85Ser (NM_001367562.3, NM_001382657.2, NM_001382658.3 and 2 more transcripts); c.307G>A, p.Gly103Ser (NM_001382655.3); short protein forms G85S, G103S.
Identifiers: ClinVar variation 3703725 (VCV003703725.3).
Genomic context (GRCh38, chr7:75,979,475, plus strand): 5'-TGTGGCCCTCACCAACCCTGTGTCTGCCTTCCTTAGGGGAGGAACATCATCGTGTTCTAC[G>A]GCTCCCAGACGGGGACTGCAGAGGAGTTTGCCAACCGCCTGTCCAAGGACGCCCACCGCT-3'
Protein context (NP_001382342.1, residues 75-95): KTGRNIIVFY[Gly85Ser]SQTGTAEEFA

ClinVar aggregate classification (germline): Pathogenic/Likely pathogenic. Review status: criteria provided, multiple submitters, no conflicts (2 of 4 stars). 2 submissions from 2 submitters: Pathogenic (1); Likely pathogenic (1). Last evaluated 2024-03-04.

Conditions:
POR-related disorder. Also called: POR-related condition.
Congenital adrenal hyperplasia due to cytochrome P450 oxidoreductase deficiency. Also called: DISORDERED STEROIDOGENESIS DUE TO POR DEFICIENCY. Identifiers: Orphanet 95699, MedGen C1860042, MONDO:0013310, OMIM 613571.

gnomAD v4.1: 21 of 1,613,454 alleles (0.0013%); highest among the groups gnomAD compares: Admixed American, 0.0033%; no homozygotes.

Submissions (2):

Labcorp Genetics (formerly Invitae), Labcorp
Classification: Pathogenic for Congenital adrenal hyperplasia due to cytochrome P450 oxidoreductase deficiency. Last evaluated: 2024-03-04. Review status: criteria provided, single submitter. Criteria: Invitae Variant Classification Sherloc (09022015). Collection method: clinical testing. Allele origin: germline.
Comment: This sequence change replaces glycine, which is neutral and non-polar, with serine, which is neutral and polar, at codon 88 of the POR protein (p.Gly88Ser). This variant is present in population databases (rs782213151, gnomAD 0.003%). This missense change has been observed in individual(s) with clinical features of POR-related conditions (PMID: 36518257). In at least one individual the data is consistent with being in trans (on the opposite chromosome) from a pathogenic variant. It has also been observed to segregate with disease in related individuals. Advanced modeling of protein sequence and biophysical properties (such as structural, functional, and spatial information, amino acid conservation, physicochemical variation, residue mobility, and thermodynamic stability) has been performed at Invitae for this missense variant, however the output from this modeling did not meet the statistical confidence thresholds required to predict the impact of this variant on POR protein function. For these reasons, this variant has been classified as Pathogenic.

Blueprint Genetics
Classification: Likely pathogenic for POR-related disorders. Last evaluated: 2024-01-09. Review status: criteria provided, single submitter. Criteria: ACMG Guidelines, 2015. Collection method: clinical testing. Allele origin: germline. Affected: yes. Observed: 2 variant alleles.

Literature cited by the submitters: PubMed 36518257 (cited by Labcorp Genetics (formerly Invitae), Labcorp).